The following is an entry in ClinVar:

ClinVar aggregate classification (germline): Pathogenic. Review status: criteria provided, multiple submitters, no conflicts (2 of 4 stars). 2 submissions from 2 submitters: Pathogenic (2). Last evaluated 2026-07-26.

Conditions:
Facioscapulohumeral muscular dystrophy 2 (FSHD2). Also called: MUSCULAR DYSTROPHY, FACIOSCAPULOHUMERAL, TYPE 1B; FACIOSCAPULOHUMERAL MUSCULAR DYSTROPHY 2, DIGENIC; FSHD2, DIGENIC. Identifiers: Orphanet 269, MedGen C1834671, MONDO:0008031, OMIM 158901.

Allele frequency attached by ClinVar (database versions not stated): gnomAD 0.00001; TOPMed below 0.00001.
gnomAD v4.1: 6 of 1,609,140 alleles (0.00037%); highest among the groups gnomAD compares: Non-Finnish European, 0.00042%; no homozygotes.

Submissions (2):

GeneDx
Classification: Pathogenic. Last evaluated: 2026-07-26. Review status: criteria provided, single submitter. Criteria: GeneDx Variant Classification Process June 2021. Collection method: clinical testing. Allele origin: germline.
Comment: Canonical splice site variant predicted to result in a null allele in a gene for which loss of function is a known mechanism of disease; Not observed at significant frequency in large population cohorts (gnomAD); This variant is associated with the following publications: (PMID: 24755953, Hiramuki2022[Preprint], 36348371, 40203460)

Labcorp Genetics (formerly Invitae), Labcorp
Classification: Pathogenic for Facioscapulohumeral muscular dystrophy 2. Last evaluated: 2025-01-06. Review status: criteria provided, single submitter. Criteria: Invitae Variant Classification Sherloc (09022015). Collection method: clinical testing. Allele origin: germline.
Comment: This sequence change affects a donor splice site in intron 8 of the SMCHD1 gene. It is expected to disrupt RNA splicing. Variants that disrupt the donor or acceptor splice site typically lead to a loss of protein function (PMID: 16199547), and loss-of-function variants in SMCHD1 are known to be pathogenic (PMID: 23143600). This variant is not present in population databases (gnomAD no frequency). Disruption of this splice site has been observed in individual(s) with facioscapulohumeral-like muscular dystrophy (PMID: 24755953). It has also been observed to segregate with disease in related individuals. ClinVar contains an entry for this variant (Variation ID: 464158). Algorithms developed to predict the effect of sequence changes on RNA splicing suggest that this variant may disrupt the consensus splice site. For these reasons, this variant has been classified as Pathogenic.

Literature cited by the submitters: PubMed 16199547 (cited by Labcorp Genetics (formerly Invitae), Labcorp); PubMed 23143600 (cited by Labcorp Genetics (formerly Invitae), Labcorp); PubMed 24755953 (cited by Labcorp Genetics (formerly Invitae), Labcorp).

NM_015295.3(SMCHD1):c.1040+1G>A

Gene: SMCHD1 (structural maintenance of chromosomes flexible hinge domain containing 1; plus strand). Cytogenetic location: 18p11.32.
Variant type: single nucleotide variant.
Coding change: c.1040+1G>A on transcript NM_015295.3 (MANE Select); the canonical splice donor site of the intron after coding-DNA position 1040, G replaced by A.
Molecular consequence: splice donor variant.
Genome position (GRCh38, 1-based): chr18:2,694,694, G>A. VCF-style: chr18-2694694-G-A. GRCh37 (hg19) VCF-style: chr18-2694692-G-A.
Identifiers: ClinVar variation 464158 (VCV000464158.10), dbSNP rs1245372794, ClinGen allele CA401695240.
Genomic context (GRCh38, chr18:2,694,694, plus strand): 5'-ACAACCAGAACACATACAGTACTTGAAAAATTATTTCCACCTTTGGACACGACAGTTAGC[G>A]TAAGTAATTATATTTGGCTTAGGAAATGTTGCTACTTAACTTTTTTAAGGCAGAAAACAT-3'